The following is an entry in ClinVar:

ClinVar aggregate classification (germline): Pathogenic (1 of 4 stars; one submission).

Conditions:
Immunodeficiency 36 with lymphoproliferation. Also called: Immunodeficiency 36; Activated PI3K Delta Syndrome Type 2 (APDS2); ACTIVATED PI3K-DELTA SYNDROME 2. Identifiers: Orphanet 397596, Orphanet 693681, MedGen C4014934, MONDO:0014453, OMIM 616005.

Submission:

Institute of Human Genetics, University of Leipzig Medical Center
Classification: Pathogenic for Immunodeficiency 36 with lymphoproliferation. Last evaluated: 2025-06-12. Review status: criteria provided, single submitter. Criteria: ACMG Guidelines, 2015. Collection method: clinical testing. Allele origin: paternal. Inheritance: Autosomal dominant inheritance. Affected: yes.
Comment: Criteria applied: PVS1,PM2

NM_181523.3(PIK3R1):c.661C>T (p.Gln221Ter)

Gene: PIK3R1 (phosphoinositide-3-kinase regulatory subunit 1; plus strand). Cytogenetic location: 5q13.1.
Variant type: single nucleotide variant.
Coding change: c.661C>T on transcript NM_181523.3 (MANE Select); coding-DNA position 661, C replaced by T.
Protein change: p.Gln221Ter; replaces glutamine 221 with a stop codon.
Molecular consequence: nonsense.
Genome position (GRCh38, 1-based): chr5:68,280,554, C>T. VCF-style: chr5-68280554-C-T. GRCh37 (hg19) VCF-style: chr5-67576382-C-T.
Other names: short protein forms Q221*.
Identifiers: ClinVar variation 982699 (VCV000982699.3), dbSNP rs1746792277, ClinGen allele CA359875085.